The following is an entry in ClinVar:

ClinVar aggregate classification (germline): Pathogenic (1 of 4 stars; one submission).

Submission:

Labcorp Genetics (formerly Invitae), Labcorp
Classification: Pathogenic. Last evaluated: 2024-10-29. Review status: criteria provided, single submitter. Criteria: Invitae Variant Classification Sherloc (09022015). Collection method: clinical testing. Allele origin: germline.
Comment: This sequence change creates a premature translational stop signal (p.Glu114Argfs*37) in the CSGALNACT1 gene. It is expected to result in an absent or disrupted protein product. Loss-of-function variants in CSGALNACT1 are known to be pathogenic (PMID: 21148564, 27599773, 31325655). The frequency data for this variant in the population databases is considered unreliable, as metrics indicate poor data quality at this position in the gnomAD database. This variant has not been reported in the literature in individuals affected with CSGALNACT1-related conditions. For these reasons, this variant has been classified as Pathogenic.

Literature cited by the submitters: PubMed 21148564; PubMed 27599773; PubMed 31325655.

NM_001354483.2(CSGALNACT1):c.338dup (p.Glu114fs)

Gene: CSGALNACT1 (chondroitin sulfate N-acetylgalactosaminyltransferase 1; minus strand). Cytogenetic location: 8p21.3.
Variant type: Duplication.
Coding change: c.338dup on transcript NM_001354483.2 (MANE Select); coding-DNA position 338, one base duplicated (C; older notation c.338dupC).
Protein change: p.Glu114fs; shifts the reading frame from glutamic acid 114.
Molecular consequence: frameshift variant. On other transcripts: non-coding transcript variant (7).
Genome position (GRCh38, 1-based): chr8:19,505,497, G duplicated on the plus strand (C on the coding strand, the reverse complement: CSGALNACT1 is on the minus strand); the first of 6 consecutive G bases (chr8:19,505,497-19,505,502); duplicating any one gives the same sequence. VCF-style (leftmost placement, unchanged base first): chr8-19505496-T-TG. GRCh37 (hg19) VCF-style: chr8-19363007-T-TG.
Other names: c.338dup, p.Glu114fs (NM_001354487.2, NM_001354488.2, NM_001354491.2 and 18 more transcripts); short protein forms E114fs.
Identifiers: ClinVar variation 3696202 (VCV003696202.2).